The following is an entry in ClinVar:

ClinVar aggregate classification (germline): Conflicting classifications of pathogenicity. Review status: criteria provided, conflicting classifications (1 of 4 stars). 3 submissions from 3 submitters: Uncertain significance (2); Likely benign (1). Last evaluated 2023-03-23.

Conditions:
Hereditary cancer-predisposing syndrome. Also called: Tumor predisposition; Neoplastic Syndromes, Hereditary; Hereditary Cancer Syndrome; Hereditary neoplastic syndrome. Identifiers: Orphanet 140162, MedGen C0027672, MeSH D009386, MONDO:0015356.
Hereditary breast ovarian cancer syndrome. Also called: Hereditary breast and ovarian cancer syndrome (HBOC); Breast and ovarian cancer; BRCA1- and BRCA2-Associated Hereditary Breast and Ovarian Cancer; Hereditary breast and ovarian cancer; Hereditary breast and ovarian cancer syndrome; Hereditary breast and/or ovarian cancer syndrome. Identifiers: Orphanet 145, MedGen C0677776, MeSH D061325, MONDO:0003582. Disease mechanism: loss of function.

Submissions (3):

University of Washington Department of Laboratory Medicine, University of Washington
Classification: Likely benign for Hereditary cancer-predisposing syndrome. Last evaluated: 2023-03-23. Review status: criteria provided, single submitter. Criteria: Dines et al. (Genet Med. 2020). Collection method: curation. Allele origin: germline.
Comment: Missense variant in a coldspot region where missense variants are very unlikely to be pathogenic (PMID:31911673).

BRCA1 coldspot (exon 11 using historical exon numbering). Reclassification based on statistical prior probability

Labcorp Genetics (formerly Invitae), Labcorp
Classification: Uncertain significance for Hereditary breast ovarian cancer syndrome. Last evaluated: 2021-09-24. Review status: criteria provided, single submitter. Criteria: Invitae Variant Classification Sherloc (09022015). Collection method: clinical testing. Allele origin: germline.
Comment: Advanced modeling of protein sequence and biophysical properties (such as structural, functional, and spatial information, amino acid conservation, physicochemical variation, residue mobility, and thermodynamic stability) performed at Invitae indicates that this missense variant is not expected to disrupt BRCA1 protein function. In summary, the available evidence is currently insufficient to determine the role of this variant in disease. Therefore, it has been classified as a Variant of Uncertain Significance. This variant has not been reported in the literature in individuals affected with BRCA1-related conditions. This variant is not present in population databases (ExAC no frequency). This sequence change replaces asparagine with tyrosine at codon 1168 of the BRCA1 protein (p.Asn1168Tyr). The asparagine residue is weakly conserved and there is a large physicochemical difference between asparagine and tyrosine.

Ambry Genetics
Classification: Uncertain significance for Hereditary cancer-predisposing syndrome. Last evaluated: 2021-09-20. Review status: criteria provided, single submitter. Criteria: Ambry Variant Classification Scheme 2023. Collection method: clinical testing. Allele origin: germline.
Comment: The p.N1168Y variant (also known as c.3502A>T), located in coding exon 9 of the BRCA1 gene, results from an A to T substitution at nucleotide position 3502. The asparagine at codon 1168 is replaced by tyrosine, an amino acid with dissimilar properties. This amino acid position is conserved. In addition, this alteration is predicted to be tolerated by in silico analysis. Since supporting evidence is limited at this time, the clinical significance of this alteration remains unclear.

NM_007294.4(BRCA1):c.3502A>T (p.Asn1168Tyr)

Genes: BRCA1 (BRCA1 DNA repair associated; minus strand), LOC126862571 (BRD4-independent group 4 enhancer GRCh37_chr17:41243136-41244335; plus strand). Cytogenetic location: 17q21.31.
Variant type: single nucleotide variant.
Coding change: c.3502A>T on transcript NM_007294.4 (MANE Select); coding-DNA position 3502, A replaced by T.
Protein change: p.Asn1168Tyr; replaces asparagine 1168 with tyrosine.
Molecular consequence: missense variant. On other transcripts: intron variant (135).
Genome position (GRCh38, 1-based): chr17:43,092,029, T>A on the plus strand (A>T on the coding strand, the complement: BRCA1 is on the minus strand). VCF-style: chr17-43092029-T-A. GRCh37 (hg19) VCF-style: chr17-41244046-T-A.
Other names: c.3379A>T, p.Asn1127Tyr (NM_001407680.1, NM_001407681.1, NM_001407682.1 and 19 more transcripts); c.3502A>T, p.Asn1168Tyr (NM_001407684.1, NM_001407854.1, NM_001407858.1 and 30 more transcripts); c.3376A>T, p.Asn1126Tyr (NM_001407685.1, NM_001407686.1, NM_001407687.1 and 11 more transcripts); c.3361A>T, p.Asn1121Tyr (NM_001407692.1, NM_001407694.1, NM_001407695.1 and 29 more transcripts); c.3358A>T, p.Asn1120Tyr (NM_001407740.1, NM_001407741.1, NM_001407742.1 and 20 more transcripts); c.3289A>T, p.Asn1097Tyr (NM_001407853.1, NM_001407894.1, NM_001407895.1 and 9 more transcripts); c.3499A>T, p.Asn1167Tyr (NM_001407860.1, NM_001407861.1, NM_001407587.1 and 22 more transcripts); c.3301A>T, p.Asn1101Tyr (NM_001407862.1); and 41 more; short protein forms N1121Y, N1168Y, N1040Y, N1080Y, N1097Y, N1101Y, N1165Y, N1167Y.
Identifiers: ClinVar variation 1382976 (VCV001382976.11), dbSNP rs2154307903, ClinGen allele CA10594968.